The following is an entry in ClinVar:

NM_014014.5(SNRNP200):c.5321A>G (p.Gln1774Arg)

Genes: SNRNP200 (small nuclear ribonucleoprotein U5 subunit 200; minus strand), LOC126806272 (BRD4-independent group 4 enhancer GRCh37_chr2:96944520-96945719; plus strand). Cytogenetic location: 2q11.2.
Variant type: single nucleotide variant.
Coding change: c.5321A>G on transcript NM_014014.5 (MANE Select); coding-DNA position 5321, A replaced by G.
Protein change: p.Gln1774Arg; replaces glutamine 1774 with arginine.
Molecular consequence: missense variant.
Genome position (GRCh38, 1-based): chr2:96,278,811, T>C on the plus strand (A>G on the coding strand, the complement: SNRNP200 is on the minus strand). VCF-style: chr2-96278811-T-C. GRCh37 (hg19) VCF-style: chr2-96944549-T-C.
Other names: short protein forms Q1774R.
Identifiers: ClinVar variation 1422031 (VCV001422031.6), dbSNP rs1684713669, ClinGen allele CA347659543.

ClinVar aggregate classification (germline): Uncertain significance (1 of 4 stars; one submission).

Allele frequency attached by ClinVar (database versions not stated): TOPMed below 0.00001; gnomAD 0.00001.
gnomAD v4.1: 1 of 1,614,074 alleles (0.000062%); highest among the groups gnomAD compares: African/African-American, 0.0013%; no homozygotes.

Submission:

Labcorp Genetics (formerly Invitae), Labcorp
Classification: Uncertain significance. Last evaluated: 2022-03-09. Review status: criteria provided, single submitter. Criteria: Invitae Variant Classification Sherloc (09022015). Collection method: clinical testing. Allele origin: germline.
Comment: In summary, the available evidence is currently insufficient to determine the role of this variant in disease. Therefore, it has been classified as a Variant of Uncertain Significance. Algorithms developed to predict the effect of missense changes on protein structure and function are either unavailable or do not agree on the potential impact of this missense change (SIFT: "Tolerated"; PolyPhen-2: "Possibly Damaging"; Align-GVGD: "Class C0"). This variant has not been reported in the literature in individuals affected with SNRNP200-related conditions. This variant is not present in population databases (gnomAD no frequency). This sequence change replaces glutamine, which is neutral and polar, with arginine, which is basic and polar, at codon 1774 of the SNRNP200 protein (p.Gln1774Arg).